The following is an entry in ClinVar:

NM_012431.3(SEMA3E):c.1748A>G (p.Asp583Gly)

Gene: SEMA3E (semaphorin 3E; minus strand). Cytogenetic location: 7q21.11.
Variant type: single nucleotide variant.
Coding change: c.1748A>G on transcript NM_012431.3 (MANE Select); coding-DNA position 1748, A replaced by G.
Protein change: p.Asp583Gly; replaces aspartic acid 583 with glycine.
Molecular consequence: missense variant.
Genome position (GRCh38, 1-based): chr7:83,385,421, T>C on the plus strand (A>G on the coding strand, the complement: SEMA3E is on the minus strand). VCF-style: chr7-83385421-T-C. GRCh37 (hg19) VCF-style: chr7-83014737-T-C.
Other names: c.1568A>G, p.Asp523Gly (NM_001178129.2); short protein forms D583G, D523G.
Identifiers: ClinVar variation 2891812 (VCV002891812.3), dbSNP rs1360891131, ClinGen allele CA367921936.
Genomic context (GRCh38, chr7:83,385,421, plus strand): 5'-GTACATTCCAGCAAAGTACTGTTGTTCTCTATGCCATAAGCCAGATGTTCTTCAGTCTTA[T>C]CCAAAGCATCCCCTACAACAGGAACATTAATGCCATCTTTGAGACTTAGATTTTATAGGT-3'
Protein context (NP_036563.1, residues 573-593): FGQQFVGDAL[Asp583Gly]KTEEHLAYGI

ClinVar aggregate classification (germline): Uncertain significance (1 of 4 stars; one submission).

Conditions:
CHARGE syndrome (CHARGE). Also called: Hittner Hirsch Kreh syndrome; CHARGE ASSOCIATION--COLOBOMA, HEART ANOMALY, CHOANAL ATRESIA, RETARDATION, GENITAL AND EAR ANOMALIES; Coloboma, heart anomaly, choanal atresia, retardation, genital and ear anomalies; CHARGE association; Hall-Hittner syndrome. Identifiers: Orphanet 138, MedGen C0265354, MONDO:0008965.

Allele frequency attached by ClinVar (database versions not stated): gnomAD 0.00001; gnomAD exomes 0.00001; TOPMed 0.00001.
gnomAD v4.1: 22 of 1,613,332 alleles (0.0014%); highest among the groups gnomAD compares: Non-Finnish European, 0.0019%; no homozygotes.

Submission:

Labcorp Genetics (formerly Invitae), Labcorp
Classification: Uncertain significance for CHARGE syndrome. Last evaluated: 2023-09-20. Review status: criteria provided, single submitter. Criteria: Invitae Variant Classification Sherloc (09022015). Collection method: clinical testing. Allele origin: germline.
Comment: This sequence change replaces aspartic acid, which is acidic and polar, with glycine, which is neutral and non-polar, at codon 583 of the SEMA3E protein (p.Asp583Gly). This variant is not present in population databases (gnomAD no frequency). This variant has not been reported in the literature in individuals affected with SEMA3E-related conditions. Advanced modeling of protein sequence and biophysical properties (such as structural, functional, and spatial information, amino acid conservation, physicochemical variation, residue mobility, and thermodynamic stability) performed at Invitae indicates that this missense variant is not expected to disrupt SEMA3E protein function. In summary, the available evidence is currently insufficient to determine the role of this variant in disease. Therefore, it has been classified as a Variant of Uncertain Significance.